The following is an entry in ClinVar:

NM_024675.4(PALB2):c.1613T>G (p.Ile538Ser)

Gene: PALB2 (partner and localizer of BRCA2; minus strand). Cytogenetic location: 16p12.2.
Variant type: single nucleotide variant.
Coding change: c.1613T>G on transcript NM_024675.4 (MANE Select); coding-DNA position 1613, T replaced by G.
Protein change: p.Ile538Ser; replaces isoleucine 538 with serine.
Molecular consequence: missense variant.
Genome position (GRCh38, 1-based): chr16:23,634,933, A>C on the plus strand (T>G on the coding strand, the complement: PALB2 is on the minus strand). VCF-style: chr16-23634933-A-C. GRCh37 (hg19) VCF-style: chr16-23646254-A-C.
Other names: c.1553T>G, p.Ile518Ser (NM_001407296.1); c.1613T>G, p.Ile538Ser (NM_001407297.1, NM_001407298.1, NM_001407299.1 and 3 more transcripts); c.728T>G, p.Ile243Ser (NM_001407304.1, NM_001407305.1, NM_001407306.1 and 5 more transcripts); short protein forms I243S, I538S, I518S.
Identifiers: ClinVar variation 1776449 (VCV001776449.2), dbSNP rs2142411118, ClinGen allele CA395130431.

ClinVar aggregate classification (germline): Uncertain significance (1 of 4 stars; one submission).

Conditions:
Hereditary cancer-predisposing syndrome. Also called: Neoplastic Syndromes, Hereditary; Tumor predisposition; Hereditary Cancer Syndrome; Hereditary neoplastic syndrome. Identifiers: Orphanet 140162, MedGen C0027672, MeSH D009386, MONDO:0015356.

Submission:

Ambry Genetics
Classification: Uncertain significance for Hereditary cancer-predisposing syndrome. Last evaluated: 2021-12-11. Review status: criteria provided, single submitter. Criteria: Ambry Variant Classification Scheme 2023. Collection method: clinical testing. Allele origin: germline.
Comment: The p.I538S variant (also known as c.1613T>G), located in coding exon 4 of the PALB2 gene, results from a T to G substitution at nucleotide position 1613. The isoleucine at codon 538 is replaced by serine, an amino acid with dissimilar properties. This amino acid position is conserved. In addition, this alteration is predicted to be tolerated by in silico analysis. Since supporting evidence is limited at this time, the clinical significance of this alteration remains unclear.